The following is an entry in ClinVar:

ClinVar aggregate classification (germline): Likely benign. Review status: criteria provided, multiple submitters, no conflicts (2 of 4 stars). 3 submissions from 3 submitters: Likely benign (2). 1 of the submissions does not count toward it. Last evaluated 2024-10-26.

Conditions:
IFT172-related disorder. Also called: IFT172-related condition; IFT172-related disorders.
Short-rib thoracic dysplasia 10 with or without polydactyly (SRTD10). Identifiers: Orphanet 474, MedGen C3810175, MONDO:0014284, OMIM 615630.
Retinitis pigmentosa 71 (RP71). Identifiers: Orphanet 791, MedGen C4225342, MONDO:0014618, OMIM 616394.
Bardet-Biedl syndrome 20. Identifiers: MedGen C4310707, MONDO:0023670, OMIM 619471, MONDO:0014926.

Allele frequency attached by ClinVar (database versions not stated): gnomAD exomes below 0.00001 and 0.00001; ExAC 0.00001; gnomAD 0.00001; TOPMed 0.00003; ESP Exome Variant Server 0.00008.

Submissions (3):

Labcorp Genetics (formerly Invitae), Labcorp
Classification: Likely benign for Retinitis pigmentosa 71; Short-rib thoracic dysplasia 10 with or without polydactyly. Last evaluated: 2024-10-26. Review status: criteria provided, single submitter. Criteria: Invitae Variant Classification Sherloc (09022015). Collection method: clinical testing. Allele origin: germline.

Fulgent Genetics
Classification: Likely benign for Short-rib thoracic dysplasia 10 with or without polydactyly; Retinitis pigmentosa 71; Bardet-Biedl syndrome 20. Last evaluated: 2022-04-22. Review status: criteria provided, single submitter. Criteria: ACMG Guidelines, 2015. Collection method: clinical testing. Allele origin: unknown.

PreventionGenetics, part of Exact Sciences
Classification: Likely benign for IFT172-related condition. Last evaluated: 2021-05-11. Review status: no assertion criteria provided. Collection method: clinical testing. Allele origin: germline. Not counted in ClinVar's aggregate classification.
Comment: This variant is classified as likely benign based on ACMG/AMP sequence variant interpretation guidelines (Richards et al. 2015 PMID: 25741868, with internal and published modifications).

NM_015662.3(IFT172):c.1929T>C (p.Ile643=)

Gene: IFT172 (intraflagellar transport 172; minus strand). Cytogenetic location: 2p23.3.
Variant type: single nucleotide variant.
Coding change: c.1929T>C on transcript NM_015662.3 (MANE Select); coding-DNA position 1929, T replaced by C.
Protein change: p.Ile643=; no amino-acid change (isoleucine 643 retained).
Molecular consequence: synonymous variant.
Genome position (GRCh38, 1-based): chr2:27,465,419, A>G on the plus strand (T>C on the coding strand, the complement: IFT172 is on the minus strand). VCF-style: chr2-27465419-A-G. GRCh37 (hg19) VCF-style: chr2-27688286-A-G.
Other names: c.1929T>C (NM_015662.2).
Identifiers: ClinVar variation 1623352 (VCV001623352.11), dbSNP rs375541145, ClinGen allele CA1580493.